The following is an entry in ClinVar:

NM_001080779.2(MYO1C):c.1779C>G (p.Asp593Glu)

Gene: MYO1C (myosin IC; minus strand). Cytogenetic location: 17p13.3.
Variant type: single nucleotide variant.
Coding change: c.1779C>G on transcript NM_001080779.2 (MANE Select); coding-DNA position 1779, C replaced by G.
Protein change: p.Asp593Glu; replaces aspartic acid 593 with glutamic acid.
Molecular consequence: missense variant.
Genome position (GRCh38, 1-based): chr17:1,474,628, G>C on the plus strand (C>G on the coding strand, the complement: MYO1C is on the minus strand). VCF-style: chr17-1474628-G-C. GRCh37 (hg19) VCF-style: chr17-1377922-G-C.
Other names: NC_000017.10:g.1377922G>C; c.1722C>G, p.Asp574Glu (NM_001080950.2); c.1707C>G, p.Asp569Glu (NM_001363855.1); c.1674C>G, p.Asp558Glu (NM_033375.5); short protein forms D558E, D569E, D574E, D593E.
Identifiers: ClinVar variation 1317790 (VCV001317790.6), dbSNP rs201137128, ClinGen allele CA8267357.

ClinVar aggregate classification (germline): Likely benign. Review status: criteria provided, multiple submitters, no conflicts (2 of 4 stars). 3 submissions from 3 submitters: Likely benign (2). 1 of the submissions does not count toward it. Last evaluated 2018-07-31.

Conditions:
MYO1C-related disorder. Also called: MYO1C-related condition.

Allele frequency attached by ClinVar (database versions not stated): ExAC 0.00131; gnomAD exomes 0.00154.
gnomAD v4.1: 452 of 1,613,776 alleles (0.028%); highest among the groups gnomAD compares: Admixed American, 0.75%; 2 homozygotes.

Submissions (4):

GeneDx
Classification: Likely benign. Last evaluated: 2018-07-31. Review status: criteria provided, single submitter. Criteria: GeneDx Variant Classification Process June 2021. Collection method: clinical testing. Allele origin: germline. Affected: yes.

Breakthrough Genomics
Classification: Likely benign. Review status: criteria provided, single submitter. Criteria: ACMG Guidelines, 2015. Collection method: not provided. Allele origin: germline. Inheritance: Unknown mechanism. Affected: yes.

PreventionGenetics, part of Exact Sciences
Classification: Benign for MYO1C-related condition. Last evaluated: 2019-12-16. Review status: no assertion criteria provided. Collection method: clinical testing. Allele origin: germline. Not counted in ClinVar's aggregate classification.
Comment: This variant is classified as benign based on ACMG/AMP sequence variant interpretation guidelines (Richards et al. 2015 PMID: 25741868, with internal and published modifications).

Dr. Peter K. Rogan Lab, Western University
No classification provided (evidence only). Condition: Melanoma. Review status: no classification provided. Collection method: in vitro. Allele origin: not applicable. Functional consequence: retained intron. Not counted in ClinVar's aggregate classification.